The following is an entry in ClinVar:

NM_005271.5(GLUD1):c.1507A>G (p.Lys503Glu)

Gene: GLUD1 (glutamate dehydrogenase 1; minus strand). Cytogenetic location: 10q23.2.
Variant type: single nucleotide variant.
Coding change: c.1507A>G on transcript NM_005271.5 (MANE Select); coding-DNA position 1507, A replaced by G.
Protein change: p.Lys503Glu; replaces lysine 503 with glutamic acid.
Molecular consequence: missense variant.
Genome position (GRCh38, 1-based): chr10:87,053,392, T>C on the plus strand (A>G on the coding strand, the complement: GLUD1 is on the minus strand). VCF-style: chr10-87053392-T-C. GRCh37 (hg19) VCF-style: chr10-88813149-T-C.
Other names: c.1108A>G, p.Lys370Glu (NM_001318900.1); c.1006A>G, p.Lys336Glu (NM_001318901.1, NM_001318902.1, NM_001318904.2 and 2 more transcripts); short protein forms K336E, K370E, K503E.
Identifiers: ClinVar variation 1072420 (VCV001072420.7), dbSNP rs2133777379, ClinGen allele CA377464666.

ClinVar aggregate classification (germline): Pathogenic (1 of 4 stars; one submission).

Conditions:
Hyperinsulinism-hyperammonemia syndrome (HHF6). Identifiers: Orphanet 35878, MedGen C1847555, MONDO:0011717, OMIM 606762.

Submission:

Labcorp Genetics (formerly Invitae), Labcorp
Classification: Pathogenic for Hyperinsulinism-hyperammonemia syndrome. Last evaluated: 2018-06-13. Review status: criteria provided, single submitter. Criteria: Invitae Variant Classification Sherloc (09022015). Collection method: clinical testing. Allele origin: germline.
Comment: This variant has been observed to be de novo in individuals affected with familial hyperinsulinism-hyperammonemia syndrome (PMID: 10871207). This variant is not present in population databases (ExAC no frequency). This sequence change replaces lysine with glutamic acid at codon 503 of the GLUD1 protein (p.Lys503Glu). The lysine residue is highly conserved and there is a small physicochemical difference between lysine and glutamic acid. Algorithms developed to predict the effect of missense changes on protein structure and function are either unavailable or do not agree on the potential impact of this missense change (SIFT: "Deleterious"; PolyPhen-2: "Benign"; Align-GVGD: "Class C0"). For these reasons, this variant has been classified as Pathogenic.

Literature cited by the submitters: PubMed 10871207.